The following is an entry in ClinVar:

NM_001256627.2(BRSK2):c.1849+10C>T

Gene: BRSK2 (BR serine/threonine kinase 2; plus strand). Cytogenetic location: 11p15.5.
Variant type: single nucleotide variant.
Coding change: c.1849+10C>T on transcript NM_001256627.2 (MANE Select); 10 bases into the intron after coding-DNA position 1849, C replaced by T.
Molecular consequence: intron variant.
Genome position (GRCh38, 1-based): chr11:1,456,538, C>T. VCF-style: chr11-1456538-C-T. GRCh37 (hg19) VCF-style: chr11-1477768-C-T.
Other names: c.1849+10C>T (NM_001256629.2, NM_003957.4, NM_001256627.1); c.1669+10C>T (NM_001282218.2); c.1987+10C>T (NM_001256630.1).
Identifiers: ClinVar variation 1246735 (VCV001246735.5), dbSNP rs67861777, ClinGen allele CA5811232.

ClinVar aggregate classification (germline): Benign. Review status: criteria provided, multiple submitters, no conflicts (2 of 4 stars). 3 submissions from 3 submitters: Benign (2). 1 of the submissions does not count toward it. Last evaluated 2020-04-23.

Conditions:
BRSK2-related disorder. Also called: BRSK2-related condition; BRSK2-Related Disorders.

Allele frequency attached by ClinVar (database versions not stated): 1000 Genomes Project 30x 0.14834; 1000 Genomes Project 0.14856; TOPMed 0.20330; gnomAD 0.20836 and 0.21079; ESP Exome Variant Server 0.22245; ExAC 0.22920.
gnomAD v4.1: 380,727 of 1,587,584 alleles (24%); highest among the groups gnomAD compares: Middle Eastern, 27%; 48,197 homozygotes.

Submissions (3):

GeneDx
Classification: Benign. Last evaluated: 2020-04-23. Review status: criteria provided, single submitter. Criteria: GeneDx Variant Classification Process June 2021. Collection method: clinical testing. Allele origin: germline. Affected: yes.

Breakthrough Genomics
Classification: Benign. Review status: criteria provided, single submitter. Criteria: ACMG Guidelines, 2015. Collection method: not provided. Allele origin: germline. Inheritance: Unknown mechanism. Affected: yes.

PreventionGenetics, part of Exact Sciences
Classification: Benign for BRSK2-related condition. Last evaluated: 2019-10-10. Review status: no assertion criteria provided. Collection method: clinical testing. Allele origin: germline. Not counted in ClinVar's aggregate classification.
Comment: This variant is classified as benign based on ACMG/AMP sequence variant interpretation guidelines (Richards et al. 2015 PMID: 25741868, with internal and published modifications).